The following is an entry in ClinVar:

ClinVar aggregate classification (germline): Uncertain significance (1 of 4 stars; one submission).

Allele frequency attached by ClinVar (database versions not stated): gnomAD 0.00001.
gnomAD v4.1: 3 of 1,614,018 alleles (0.00019%); highest among the groups gnomAD compares: Non-Finnish European, 0.00025%; no homozygotes.

Submission:

Labcorp Genetics (formerly Invitae), Labcorp
Classification: Uncertain significance. Last evaluated: 2024-12-24. Review status: criteria provided, single submitter. Criteria: Invitae Variant Classification Sherloc (09022015). Collection method: clinical testing. Allele origin: germline.
Comment: This sequence change replaces valine, which is neutral and non-polar, with phenylalanine, which is neutral and non-polar, at codon 40 of the VCAN protein (p.Val40Phe). This variant is present in population databases (rs763096343, gnomAD 0.003%). This variant has not been reported in the literature in individuals affected with VCAN-related conditions. ClinVar contains an entry for this variant (Variation ID: 1488905). An algorithm developed to predict the effect of missense changes on protein structure and function (PolyPhen-2) suggests that this variant is likely to be disruptive. In summary, the available evidence is currently insufficient to determine the role of this variant in disease. Therefore, it has been classified as a Variant of Uncertain Significance.

NM_004385.5(VCAN):c.118G>T (p.Val40Phe)

Gene: VCAN (versican; plus strand). Cytogenetic location: 5q14.2.
Variant type: single nucleotide variant.
Coding change: c.118G>T on transcript NM_004385.5 (MANE Select); coding-DNA position 118, G replaced by T.
Protein change: p.Val40Phe; replaces valine 40 with phenylalanine.
Molecular consequence: missense variant.
Genome position (GRCh38, 1-based): chr5:83,490,145, G>T. VCF-style: chr5-83490145-G-T. GRCh37 (hg19) VCF-style: chr5-82785964-G-T.
Other names: c.118G>T, p.Val40Phe (NM_001126336.3, NM_001164097.2, NM_001164098.2); short protein forms V40F.
Identifiers: ClinVar variation 1488905 (VCV001488905.8), dbSNP rs763096343, ClinGen allele CA3332394.
Genomic context (GRCh38, chr5:83,490,145, plus strand): 5'-CTCTTTCCTCTAGTCAAAGTGGGAAAAAGCCCACCGGTGAGGGGCTCCCTCTCTGGAAAA[G>T]TCAGCCTACCTTGTCATTTTTCAACGATGCCTACTTTGCCACCCAGTTACAACACCAGTG-3'
Protein context (NP_004376.2, residues 30-50): PPVRGSLSGK[Val40Phe]SLPCHFSTMP